The following is an entry in ClinVar:

NM_015378.4(VPS13D):c.1019A>G (p.Asp340Gly)

Gene: VPS13D (vacuolar protein sorting 13 homolog D; plus strand). Cytogenetic location: 1p36.22.
Variant type: single nucleotide variant.
Coding change: c.1019A>G on transcript NM_015378.4 (MANE Select); coding-DNA position 1019, A replaced by G.
Protein change: p.Asp340Gly; replaces aspartic acid 340 with glycine.
Molecular consequence: missense variant.
Genome position (GRCh38, 1-based): chr1:12,258,012, A>G. VCF-style: chr1-12258012-A-G. GRCh37 (hg19) VCF-style: chr1-12318069-A-G.
Other names: c.1019A>G, p.Asp340Gly (NM_018156.4); short protein forms D340G.
Identifiers: ClinVar variation 2142688 (VCV002142688.3), dbSNP rs776745130, ClinGen allele CA601399.
Genomic context (GRCh38, chr1:12,258,012, plus strand): 5'-ATTTTGCTTTGAATGCTAACTTGTATGAGATCAGAGAGCAGAGGAAACGTTGCACCTGGG[A>G]CTTTATGTTGCACCGCGCTCGTGATGCTGTATCTTACACTGACAAATATTTCAACAAGTT-3'
Protein context (NP_056193.2, residues 330-350): IREQRKRCTW[Asp340Gly]FMLHRARDAV

ClinVar aggregate classification (germline): Uncertain significance (1 of 4 stars; one submission).

Allele frequency attached by ClinVar (database versions not stated): ExAC 0.00001; gnomAD exomes 0.00001; gnomAD 0.00002; TOPMed 0.00002.
gnomAD v4.1: 6 of 1,614,068 alleles (0.00037%); highest among the groups gnomAD compares: Admixed American, 0.01%; no homozygotes.

Submission:

Labcorp Genetics (formerly Invitae), Labcorp
Classification: Uncertain significance. Last evaluated: 2024-11-11. Review status: criteria provided, single submitter. Criteria: Invitae Variant Classification Sherloc (09022015). Collection method: clinical testing. Allele origin: germline.
Comment: This sequence change replaces aspartic acid, which is acidic and polar, with glycine, which is neutral and non-polar, at codon 340 of the VPS13D protein (p.Asp340Gly). This variant is present in population databases (rs776745130, gnomAD 0.009%). This variant has not been reported in the literature in individuals affected with VPS13D-related conditions. ClinVar contains an entry for this variant (Variation ID: 2142688). Invitae Evidence Modeling of protein sequence and biophysical properties (such as structural, functional, and spatial information, amino acid conservation, physicochemical variation, residue mobility, and thermodynamic stability) indicates that this missense variant is not expected to disrupt VPS13D protein function with a negative predictive value of 80%. In summary, the available evidence is currently insufficient to determine the role of this variant in disease. Therefore, it has been classified as a Variant of Uncertain Significance.